The following is an entry in ClinVar:

NM_001365536.1(SCN9A):c.4054A>G (p.Asn1352Asp)

Genes: SCN1A-AS1 (SCN1A and SCN9A antisense RNA 1; plus strand), SCN9A (sodium voltage-gated channel alpha subunit 9; minus strand). Cytogenetic location: 2q24.3.
Variant type: single nucleotide variant.
Coding change: c.4054A>G on transcript NM_001365536.1 (MANE Select); coding-DNA position 4054, A replaced by G.
Protein change: p.Asn1352Asp; replaces asparagine 1352 with aspartic acid.
Molecular consequence: missense variant.
Genome position (GRCh38, 1-based): chr2:166,228,843, T>C on the plus strand (A>G on the coding strand, the complement: SCN9A is on the minus strand). VCF-style: chr2-166228843-T-C. GRCh37 (hg19) VCF-style: chr2-167085353-T-C.
Other names: c.4021A>G, p.Asn1341Asp (NM_002977.4); short protein forms N1341D, N1352D.
Identifiers: ClinVar variation 1018083 (VCV001018083.5), dbSNP rs1694962022, ClinGen allele CA349063922.

ClinVar aggregate classification (germline): Uncertain significance (1 of 4 stars; one submission).

Conditions:
Neuropathy, hereditary sensory and autonomic, type 2A (HSAN2A). Also called: HSAN IIA; ACROOSTEOLYSIS, GIACCAI TYPE; ACROOSTEOLYSIS, NEUROGENIC; MORVAN DISEASE; NEUROPATHY, CONGENITAL SENSORY; NEUROPATHY, HEREDITARY SENSORY RADICULAR, AUTOSOMAL RECESSIVE. Identifiers: Orphanet 970, MedGen C2752089, MONDO:0024309, OMIM 201300.
Generalized epilepsy with febrile seizures plus, type 7 (GEFSP7). Also called: GEFS+, TYPE 7. Identifiers: Orphanet 36387, MedGen C2751778, MONDO:0013470, OMIM 613863.

Allele frequency attached by ClinVar (database versions not stated): gnomAD exomes below 0.00001.

Submission:

Labcorp Genetics (formerly Invitae), Labcorp
Classification: Uncertain significance for Neuropathy, hereditary sensory and autonomic, type 2A; Generalized epilepsy with febrile seizures plus, type 7. Last evaluated: 2025-07-14. Review status: criteria provided, single submitter. Criteria: Invitae Variant Classification Sherloc (09022015). Collection method: clinical testing. Allele origin: germline.
Comment: This sequence change replaces asparagine, which is neutral and polar, with aspartic acid, which is acidic and polar, at codon 1341 of the SCN9A protein (p.Asn1341Asp). This variant is not present in population databases (gnomAD no frequency). This variant has not been reported in the literature in individuals affected with SCN9A-related conditions. ClinVar contains an entry for this variant (Variation ID: 1018083). Invitae Evidence Modeling of protein sequence and biophysical properties (such as structural, functional, and spatial information, amino acid conservation, physicochemical variation, residue mobility, and thermodynamic stability) indicates that this missense variant is not expected to disrupt SCN9A protein function with a negative predictive value of 95%. In summary, the available evidence is currently insufficient to determine the role of this variant in disease. Therefore, it has been classified as a Variant of Uncertain Significance.